The following is an entry in ClinVar:

ClinVar aggregate classification (germline): Benign/Likely benign. Review status: criteria provided, multiple submitters, no conflicts (2 of 4 stars). 2 submissions from 2 submitters: Benign (1); Likely benign (1). Last evaluated 2025-03-14.

Conditions:
Pheochromocytoma/paraganglioma syndrome 3. Also called: GLOMUS TUMORS, FAMILIAL, 3; Paragangliomas 3; SDHC-Related Hereditary Paraganglioma-Pheochromocytoma Syndrome (Paragangliomas 3); SDHC-Related Hereditary Paraganglioma-Pheochromocytoma Syndrome. Identifiers: Orphanet 29072, MedGen C1854336, MONDO:0011544, OMIM 605373.
Gastrointestinal stromal tumor. Also called: Gastrointestinal stromal tumor, somatic; Gastrointestinal stroma tumor. Identifiers: Orphanet 44890, MedGen C0238198, MeSH D046152, MONDO:0011719, OMIM 606764, HP:0100723.

Allele frequency attached by ClinVar (database versions not stated): gnomAD exomes below 0.00001.
gnomAD v4.1: 1 of 1,613,888 alleles (0.000062%); highest among the groups gnomAD compares: East Asian, 0.0022%; no homozygotes.

Submissions (2):

Myriad Genetics, Inc.
Classification: Benign for Pheochromocytoma/paraganglioma syndrome 3. Last evaluated: 2025-03-14. Review status: criteria provided, single submitter. Criteria: Myriad Autosomal Dominant, Autosomal Recessive and X-Linked Classification Criteria (2023). Collection method: clinical testing. Allele origin: unknown.
Comment: This variant is considered benign. This variant is a silent/synonymous amino acid change and it is not expected to impact splicing.

Labcorp Genetics (formerly Invitae), Labcorp
Classification: Likely benign for Pheochromocytoma/paraganglioma syndrome 3; Gastrointestinal stromal tumor. Last evaluated: 2023-09-27. Review status: criteria provided, single submitter. Criteria: Invitae Variant Classification Sherloc (09022015). Collection method: clinical testing. Allele origin: germline.

NM_003001.5(SDHC):c.267C>T (p.Ala89=)

Gene: SDHC (succinate dehydrogenase complex subunit C; plus strand). Cytogenetic location: 1q23.3.
Variant type: single nucleotide variant.
Coding change: c.267C>T on transcript NM_003001.5 (MANE Select); coding-DNA position 267, C replaced by T.
Protein change: p.Ala89=; no amino-acid change (alanine 89 retained).
Molecular consequence: synonymous variant. On other transcripts: non-coding transcript variant (1), intron variant (3).
Genome position (GRCh38, 1-based): chr1:161,356,702, C>T. VCF-style: chr1-161356702-C-T. GRCh37 (hg19) VCF-style: chr1-161326492-C-T.
Other names: c.165C>T, p.Ala55= (NM_001035512.3); c.108C>T, p.Ala36= (NM_001035513.3); c.387C>T, p.Ala129= (NM_001407115.1); c.210C>T, p.Ala70= (NM_001407116.1); c.204C>T, p.Ala68= (NM_001407117.1); c.159C>T, p.Ala53= (NM_001407118.1); c.156C>T, p.Ala52= (NM_001407119.1, NM_001407120.1); c.242-5627C>T (NM_001035511.3); and 2 more.
Identifiers: ClinVar variation 2940786 (VCV002940786.4), dbSNP rs2102370462, ClinGen allele CA421501015.
Genomic context (GRCh38, chr1:161,356,702, plus strand): 5'-AGCAGCTGTGACAAGCTACTTGGTTTTCTCCTCAGGGGTCTCTCTTTTTGGCATGTCGGC[C>T]CTGTTACTCCCTGGGAACTTTGAGTCTTATTTGGAACTTGTGAAGTCCCTGTGTCTGGGG-3'
Protein context (NP_002992.1, residues 79-99): SAGVSLFGMS[Ala89=]LLLPGNFESY